The following is an entry in ClinVar:

ClinVar aggregate classification (germline): Uncertain significance. Review status: criteria provided, multiple submitters, no conflicts (2 of 4 stars). 2 submissions from 2 submitters: Uncertain significance (2). Last evaluated 2025-03-07.

Conditions:
Primary dilated cardiomyopathy (DCM). Also called: Dilated Cardiomyopathy. Identifiers: Orphanet 217604, MedGen C0007193, MeSH D002311, MONDO:0005021, HP:0001644. Inheritance: Various modes of inheritance.

Allele frequency attached by ClinVar (database versions not stated): TOPMed 0.00001.
gnomAD v4.1: 7 of 1,614,096 alleles (0.00043%); highest among the groups gnomAD compares: Non-Finnish European, 0.00051%; no homozygotes.

Submissions (2):

Ambry Genetics
Classification: Uncertain significance. Last evaluated: 2025-03-07. Review status: criteria provided, single submitter. Criteria: Ambry Variant Classification Scheme 2023. Collection method: clinical testing. Allele origin: germline.

Labcorp Genetics (formerly Invitae), Labcorp
Classification: Uncertain significance for Primary dilated cardiomyopathy. Last evaluated: 2021-02-14. Review status: criteria provided, single submitter. Criteria: Invitae Variant Classification Sherloc (09022015). Collection method: clinical testing. Allele origin: germline.
Comment: In summary, the available evidence is currently insufficient to determine the role of this variant in disease. Therefore, it has been classified as a Variant of Uncertain Significance. Algorithms developed to predict the effect of missense changes on protein structure and function (SIFT, PolyPhen-2, Align-GVGD) all suggest that this variant is likely to be disruptive, but these predictions have not been confirmed by published functional studies and their clinical significance is uncertain. This variant has not been reported in the literature in individuals with FHL2-related conditions. This variant is not present in population databases (ExAC no frequency). This sequence change replaces serine with leucine at codon 98 of the FHL2 protein (p.Ser98Leu). The serine residue is highly conserved and there is a large physicochemical difference between serine and leucine.

NM_001318895.3(FHL2):c.293C>T (p.Ser98Leu)

Genes: C2orf49 (chromosome 2 open reading frame 49; plus strand), FHL2 (four and a half LIM domains 2; minus strand). Cytogenetic location: 2q12.2.
Variant type: single nucleotide variant.
Coding change: c.293C>T on transcript NM_001318895.3 (MANE Select); coding-DNA position 293, C replaced by T.
Protein change: p.Ser98Leu; replaces serine 98 with leucine.
Molecular consequence: missense variant. On other transcripts: 5 prime UTR variant (1), intron variant (2).
Genome position (GRCh38, 1-based): chr2:105,373,597, G>A on the plus strand (C>T on the coding strand, the complement: FHL2 is on the minus strand). VCF-style: chr2-105373597-G-A. GRCh37 (hg19) VCF-style: chr2-105990054-G-A.
Other names: c.293C>T, p.Ser98Leu (NM_001039492.3, NM_001318894.1, NM_001318896.2 and 4 more transcripts); c.-32C>T (NM_001318899.2); c.-11-5858C>T (NM_001318897.2, NM_001318898.2); c.293C>T (NM_201555.1); short protein forms S98L.
Identifiers: ClinVar variation 1516708 (VCV001516708.9), dbSNP rs982423684, ClinGen allele CA348001614.